The following is an entry in ClinVar:

ClinVar aggregate classification (germline): Uncertain significance (1 of 4 stars; one submission).

Conditions:
MGAT2-congenital disorder of glycosylation. Also called: CDG IIa; MENTAL RETARDATION, GROWTH RETARDATION, PROMINENT COLUMELLA, AND OPEN MOUTH; Alkuraya syndrome; MGAT2-CDG; Congenital disorder of glycosylation, type IIa. Identifiers: Orphanet 79329, MedGen C2931008, MONDO:0008908, OMIM 212066.

Allele frequency attached by ClinVar (database versions not stated): ExAC 0.00001.

Submission:

Labcorp Genetics (formerly Invitae), Labcorp
Classification: Uncertain significance for MGAT2-congenital disorder of glycosylation. Last evaluated: 2021-08-31. Review status: criteria provided, single submitter. Criteria: Invitae Variant Classification Sherloc (09022015). Collection method: clinical testing. Allele origin: germline.
Comment: This variant has not been reported in the literature in individuals affected with MGAT2-related conditions. This variant is present in population databases (rs775221699, ExAC 0.009%). This sequence change replaces leucine with valine at codon 256 of the MGAT2 protein (p.Leu256Val). The leucine residue is highly conserved and there is a small physicochemical difference between leucine and valine. Algorithms developed to predict the effect of missense changes on protein structure and function output the following: SIFT: "Deleterious"; PolyPhen-2: "Benign"; Align-GVGD: "Class C0". The valine amino acid residue is found in multiple mammalian species, which suggests that this missense change does not adversely affect protein function. In summary, the available evidence is currently insufficient to determine the role of this variant in disease. Therefore, it has been classified as a Variant of Uncertain Significance.

NM_002408.4(MGAT2):c.766C>G (p.Leu256Val)

Gene: MGAT2 (alpha-1,6-mannosyl-glycoprotein 2-beta-N-acetylglucosaminyltransferase; plus strand). Cytogenetic location: 14q21.3.
Variant type: single nucleotide variant.
Coding change: c.766C>G on transcript NM_002408.4 (MANE Select); coding-DNA position 766, C replaced by G.
Protein change: p.Leu256Val; replaces leucine 256 with valine.
Molecular consequence: missense variant.
Genome position (GRCh38, 1-based): chr14:49,622,034, C>G. VCF-style: chr14-49622034-C-G. GRCh37 (hg19) VCF-style: chr14-50088752-C-G.
Other names: short protein forms L256V.
Identifiers: ClinVar variation 1378923 (VCV001378923.6), dbSNP rs775221699, ClinGen allele CA7172599.